The following is an entry in ClinVar:

NM_015662.3(IFT172):c.2116-254A>G

Gene: IFT172 (intraflagellar transport 172; minus strand). Cytogenetic location: 2p23.3.
Variant type: single nucleotide variant.
Coding change: c.2116-254A>G on transcript NM_015662.3 (MANE Select); 254 bases into the intron before coding-DNA position 2116, A replaced by G.
Molecular consequence: intron variant.
Genome position (GRCh38, 1-based): chr2:27,462,090, T>C on the plus strand (A>G on the coding strand, the complement: IFT172 is on the minus strand). VCF-style: chr2-27462090-T-C. GRCh37 (hg19) VCF-style: chr2-27684957-T-C.
Identifiers: ClinVar variation 683620 (VCV000683620.1), dbSNP rs780108, ClinGen allele CA11004865.

ClinVar aggregate classification (germline): Benign (1 of 4 stars; one submission).

Allele frequency attached by ClinVar (database versions not stated): 1000 Genomes Project 0.53854; 1000 Genomes Project 30x 0.55200; gnomAD 0.55958 and 0.57077; TOPMed 0.57548.
gnomAD v4.1: 84,877 of 152,154 alleles (56%); highest among the groups gnomAD compares: African/African-American, 87%; 26,879 homozygotes.

Submission:

GeneDx
Classification: Benign. Last evaluated: 2018-06-19. Review status: criteria provided, single submitter. Criteria: GeneDx Variant Classification (06012015). Collection method: clinical testing. Allele origin: germline. Affected: yes.
Comment: This variant is considered likely benign or benign based on one or more of the following criteria: it is a conservative change, it occurs at a poorly conserved position in the protein, it is predicted to be benign by multiple in silico algorithms, and/or has population frequency not consistent with disease.